The following is an entry in ClinVar:

ClinVar aggregate classification (germline): Pathogenic (1 of 4 stars; one submission).

Conditions:
Multiple congenital exostosis (EXT). Also called: MULTIPLE CARTILAGINOUS EXOSTOSES; Hereditary multiple exostoses; Hereditary multiple exostosis; Hereditary multiple osteochondromas; Multiple osteochondromas; Multiple exostoses. Identifiers: Orphanet 321, MedGen C0015306, MONDO:0005508, HP:0002762.

Submission:

Labcorp Genetics (formerly Invitae), Labcorp
Classification: Pathogenic for Multiple congenital exostosis. Last evaluated: 2025-02-19. Review status: criteria provided, single submitter. Criteria: Invitae Variant Classification Sherloc (09022015). Collection method: clinical testing. Allele origin: germline.
Comment: This sequence change creates a premature translational stop signal (p.Leu294Profs*62) in the EXT1 gene. It is expected to result in an absent or disrupted protein product. Loss-of-function variants in EXT1 are known to be pathogenic (PMID: 10679937, 11391482, 19810120). This variant is not present in population databases (gnomAD no frequency). This variant has not been reported in the literature in individuals affected with EXT1-related conditions. For these reasons, this variant has been classified as Pathogenic.

Literature cited by the submitters: PubMed 10679937; PubMed 11391482; PubMed 19810120.

NM_000127.3(EXT1):c.881_890del (p.Leu294fs)

Gene: EXT1 (exostosin glycosyltransferase 1; minus strand). Cytogenetic location: 8q24.11.
Variant type: Deletion.
Coding change: c.881_890del on transcript NM_000127.3 (MANE Select); coding-DNA positions 881 to 890, 10 bases deleted (TCCTCACCAC; older notation c.881_890delTCCTCACCAC).
Protein change: p.Leu294fs; shifts the reading frame from leucine 294.
Molecular consequence: frameshift variant.
Genome position (GRCh38, 1-based): chr8:118,110,157-118,110,166, GTGGTGAGGA deleted on the plus strand (TCCTCACCAC on the coding strand, the reverse complement: EXT1 is on the minus strand); deleting any 10 consecutive bases within chr8:118,110,157-118,110,167 gives the same sequence; the c. name uses the placement nearest the transcript's 3' end. VCF-style (leftmost placement, unchanged base first): chr8-118110156-GGTGGTGAGGA-G. GRCh37 (hg19) VCF-style: chr8-119122395-GGTGGTGAGGA-G.
Other names: short protein forms L294fs.
Identifiers: ClinVar variation 4713419 (VCV004713419.1).
Genomic context (GRCh38, chr8:118,110,156, plus strand): 5'-GGTGTTGTCTCTGTCACAGCGAGAATCCTTGTGCTTTTGCCAGTCTTTGCCATGCTTGCA[GGTGGTGAGGA>G]GCACAACGTCCTCCCCGTTATGGACGTGATATAAGGCATTCCTGGTGTCTGATCCTATCC-3'